The following is an entry in ClinVar:

NM_001077350.3(NPRL3):c.1561del (p.Arg521fs)

Gene: NPRL3 (NPR3 like, GATOR1 complex subunit; minus strand). Cytogenetic location: 16p13.3.
Variant type: Deletion.
Coding change: c.1561del on transcript NM_001077350.3 (MANE Select); coding-DNA position 1561, one base deleted (C; older notation c.1561delC).
Protein change: p.Arg521fs; shifts the reading frame from arginine 521.
Molecular consequence: frameshift variant.
Genome position (GRCh38, 1-based): chr16:86,854, G deleted on the plus strand (C on the coding strand, the reverse complement: NPRL3 is on the minus strand); the first of 2 consecutive G bases (chr16:86,854-86,855); deleting either gives the same sequence. VCF-style (leftmost placement, unchanged base first): chr16-86853-CG-C. GRCh37 (hg19) VCF-style: chr16-136852-CG-C.
Other names: c.1561delC (NM_001077350.2); c.1024del, p.Arg342fs (NM_001039476.3); c.1327del, p.Arg443fs (NM_001243247.2); c.1486del, p.Arg496fs (NM_001243248.2, NM_001243249.2); short protein forms R521fs, R496fs, R342fs, R443fs.
Identifiers: ClinVar variation 651702 (VCV000651702.10), dbSNP rs1596492194, ClinGen allele CA915948967.

ClinVar aggregate classification (germline): Uncertain significance (1 of 4 stars; one submission).

Conditions:
Epilepsy, familial focal, with variable foci 3 (FFEVF3). Identifiers: MedGen C4310708, MONDO:0014925, OMIM 617118.

Submission:

Labcorp Genetics (formerly Invitae), Labcorp
Classification: Uncertain significance for Epilepsy, familial focal, with variable foci 3. Last evaluated: 2023-08-02. Review status: criteria provided, single submitter. Criteria: Invitae Variant Classification Sherloc (09022015). Collection method: clinical testing. Allele origin: germline.
Comment: Experimental studies and prediction algorithms are not available or were not evaluated, and the functional significance of this variant is currently unknown. In summary, the available evidence is currently insufficient to determine the role of this variant in disease. Therefore, it has been classified as a Variant of Uncertain Significance. ClinVar contains an entry for this variant (Variation ID: 651702). This variant has not been reported in the literature in individuals affected with NPRL3-related conditions. This variant is not present in population databases (gnomAD no frequency). This sequence change creates a premature translational stop signal (p.Arg521Alafs*33) in the NPRL3 gene. While this is not anticipated to result in nonsense mediated decay, it is expected to disrupt the last 49 amino acid(s) of the NPRL3 protein.